The following is an entry in ClinVar:

ClinVar aggregate classification (germline): Conflicting classifications of pathogenicity. Review status: criteria provided, conflicting classifications (1 of 4 stars). 2 submissions from 2 submitters: Uncertain significance (1); Likely benign (1). Last evaluated 2025-11-04.

Conditions:
Hypertrophic cardiomyopathy 19. Also called: Familial hypertrophic cardiomyopathy 19. Identifiers: MedGen CN077603, MONDO:0013476.

Allele frequency attached by ClinVar (database versions not stated): gnomAD 0.00001.
gnomAD v4.1: 18 of 1,614,048 alleles (0.0011%); highest among the groups gnomAD compares: Non-Finnish European, 0.0015%; no homozygotes.

Submissions (2):

Labcorp Genetics (formerly Invitae), Labcorp
Classification: Uncertain significance for Hypertrophic cardiomyopathy 19. Last evaluated: 2025-11-04. Review status: criteria provided, single submitter. Criteria: Invitae Variant Classification Sherloc (09022015). Collection method: clinical testing. Allele origin: germline.
Comment: This sequence change replaces tyrosine, which is neutral and polar, with phenylalanine, which is neutral and non-polar, at codon 75 of the CALR3 protein (p.Tyr75Phe). This variant is not present in population databases (gnomAD no frequency). This variant has not been reported in the literature in individuals affected with CALR3-related conditions. ClinVar contains an entry for this variant (Variation ID: 1374638). Invitae Evidence Modeling of protein sequence and biophysical properties (such as structural, functional, and spatial information, amino acid conservation, physicochemical variation, residue mobility, and thermodynamic stability) indicates that this missense variant is not expected to disrupt CALR3 protein function with a negative predictive value of 80%. In summary, the available evidence is currently insufficient to determine the role of this variant in disease. Therefore, it has been classified as a Variant of Uncertain Significance.

Blueprint Genetics
Classification: Likely benign. Last evaluated: 2021-05-14. Review status: criteria provided, single submitter. Criteria: ACMG Guidelines, 2015. Collection method: clinical testing. Allele origin: germline.

NM_145046.5(CALR3):c.224A>T (p.Tyr75Phe)

Gene: CALR3 (calreticulin 3; minus strand). Cytogenetic location: 19p13.11.
Variant type: single nucleotide variant.
Coding change: c.224A>T on transcript NM_145046.5 (MANE Select); coding-DNA position 224, A replaced by T.
Protein change: p.Tyr75Phe; replaces tyrosine 75 with phenylalanine.
Molecular consequence: missense variant.
Genome position (GRCh38, 1-based): chr19:16,490,540, T>A on the plus strand (A>T on the coding strand, the complement: CALR3 is on the minus strand). VCF-style: chr19-16490540-T-A. GRCh37 (hg19) VCF-style: chr19-16601351-T-A.
Other names: short protein forms Y75F.
Identifiers: ClinVar variation 1374638 (VCV001374638.7), dbSNP rs780394746, ClinGen allele CA404614125.